The following is an entry in ClinVar:

NM_000271.5(NPC1):c.3717C>T (p.His1239=)

Gene: NPC1 (NPC intracellular cholesterol transporter 1; minus strand). Cytogenetic location: 18q11.2.
Variant type: single nucleotide variant.
Coding change: c.3717C>T on transcript NM_000271.5 (MANE Select); coding-DNA position 3717, C replaced by T.
Protein change: p.His1239=; no amino-acid change (histidine 1239 retained).
Molecular consequence: synonymous variant.
Genome position (GRCh38, 1-based): chr18:23,533,392, G>A on the plus strand (C>T on the coding strand, the complement: NPC1 is on the minus strand). VCF-style: chr18-23533392-G-A. GRCh37 (hg19) VCF-style: chr18-21113356-G-A.
Identifiers: ClinVar variation 282371 (VCV000282371.60), dbSNP rs34624018, ClinGen allele CA8912680.

ClinVar aggregate classification (germline): Conflicting classifications of pathogenicity. Review status: criteria provided, conflicting classifications (1 of 4 stars). 10 submissions from 10 submitters: Uncertain significance (3); Likely benign (5). 2 of the submissions do not count toward it. Last evaluated 2026-01-24.

Conditions:
NPC1-related disorder. Also called: NPC1-related condition.
Inborn genetic diseases. Identifiers: MedGen C0950123, MeSH D030342.
Niemann-Pick disease, type C1. Also called: NEUROVISCERAL STORAGE DISEASE WITH VERTICAL SUPRANUCLEAR OPHTHALMOPLEGIA; NIEMANN-PICK DISEASE WITH CHOLESTEROL ESTERIFICATION BLOCK; NIEMANN-PICK DISEASE WITHOUT SPHINGOMYELINASE DEFICIENCY; NIEMANN-PICK DISEASE, CHRONIC NEURONOPATHIC FORM; NIEMANN-PICK DISEASE, VARIANT TYPE C1. Identifiers: Orphanet 646, MedGen C3179455, MONDO:0009757, OMIM 257220.

Allele frequency attached by ClinVar (database versions not stated): ESP Exome Variant Server 0.00015; gnomAD 0.00030 and 0.00033; TOPMed 0.00041; ExAC 0.00045; gnomAD exomes 0.00055; 1000 Genomes Project 30x 0.00062; 1000 Genomes Project 0.00080.
gnomAD v4.1: 505 of 1,614,060 alleles (0.031%); highest among the groups gnomAD compares: Middle Eastern, 0.36%; 3 homozygotes.

Submissions (10):

Labcorp Genetics (formerly Invitae), Labcorp
Classification: Likely benign for Niemann-Pick disease, type C1. Last evaluated: 2026-01-24. Review status: criteria provided, single submitter. Criteria: Invitae Variant Classification Sherloc (09022015). Collection method: clinical testing. Allele origin: germline.

Blueprint Genetics
Classification: Likely benign. Last evaluated: 2024-11-25. Review status: criteria provided, single submitter. Criteria: ACMG Guidelines, 2015. Collection method: clinical testing. Allele origin: germline.

CeGaT Center for Human Genetics Tuebingen
Classification: Likely benign. Last evaluated: 2024-02-01. Review status: criteria provided, single submitter. Criteria: CeGaT Center For Human Genetics Tuebingen Variant Classification Criteria Version 2. Collection method: clinical testing. Allele origin: germline. Affected: yes. Observed: 7 variant alleles.
Comment: NPC1: BP4, BP7

Ambry Genetics
Classification: Likely benign for Inborn genetic diseases. Last evaluated: 2022-03-03. Review status: criteria provided, single submitter. Criteria: Ambry Variant Classification Scheme 2023. Collection method: clinical testing. Allele origin: germline.

Pars Genome Lab
Classification: Uncertain significance for Niemann-Pick disease, type C1. Last evaluated: 2021-05-18. Review status: criteria provided, single submitter. Criteria: ACMG Guidelines, 2015. Collection method: clinical testing. Allele origin: germline. Affected: no.

GeneDx
Classification: Likely benign. Last evaluated: 2021-02-08. Review status: criteria provided, single submitter. Criteria: GeneDx Variant Classification Process June 2021. Collection method: clinical testing. Allele origin: germline. Affected: yes.

Eurofins Ntd Llc (ga)
Classification: Uncertain significance. Last evaluated: 2018-01-30. Review status: criteria provided, single submitter. Criteria: EGL Classification Definitions 2015. Collection method: clinical testing. Allele origin: germline. Observed: 4 variant alleles, 4 heterozygotes.

Illumina Laboratory Services, Illumina
Classification: Uncertain significance for Niemann-Pick disease type C1. Last evaluated: 2018-01-13. Review status: criteria provided, single submitter. Criteria: ICSL Variant Classification Criteria 13 December 2019. Collection method: clinical testing. Allele origin: germline.

Natera, Inc.
Classification: Benign for Niemann-Pick disease type C1. Last evaluated: 2019-10-22. Review status: no assertion criteria provided. Collection method: clinical testing. Allele origin: germline. Not counted in ClinVar's aggregate classification.

PreventionGenetics, part of Exact Sciences
Classification: Likely benign for NPC1-related condition. Last evaluated: 2019-06-10. Review status: no assertion criteria provided. Collection method: clinical testing. Allele origin: germline. Not counted in ClinVar's aggregate classification.
Comment: This variant is classified as likely benign based on ACMG/AMP sequence variant interpretation guidelines (Richards et al. 2015 PMID: 25741868, with internal and published modifications).